The following is an entry in ClinVar:

NM_006642.5(SDCCAG8):c.634G>C (p.Asp212His)

Gene: SDCCAG8 (SHH signaling and ciliogenesis regulator SDCCAG8; plus strand). Cytogenetic location: 1q43.
Variant type: single nucleotide variant.
Coding change: c.634G>C on transcript NM_006642.5 (MANE Select); coding-DNA position 634, G replaced by C.
Protein change: p.Asp212His; replaces aspartic acid 212 with histidine.
Molecular consequence: missense variant. On other transcripts: 5 prime UTR variant (3).
Genome position (GRCh38, 1-based): chr1:243,293,178, G>C. VCF-style: chr1-243293178-G-C. GRCh37 (hg19) VCF-style: chr1-243456480-G-C.
Other names: c.-479G>C (NM_001350246.2); c.-367G>C (NM_001350247.2); c.634G>C, p.Asp212His (NM_001350248.2); c.340G>C, p.Asp114His (NM_001350249.2); c.-740G>C (NM_001350251.2); short protein forms D212H, D114H.
Identifiers: ClinVar variation 4987367 (VCV004987367.1).

ClinVar aggregate classification (germline): Uncertain significance (1 of 4 stars; one submission).

Conditions:
SDCCAG8-related disorder. Also called: SDCCAG8-related condition; SDCCAG8-Related Disorders.

gnomAD v4.1: 7 of 1,614,164 alleles (0.00043%); highest among the groups gnomAD compares: Non-Finnish European, 0.00059%; no homozygotes.

Submission:

PreventionGenetics, part of Exact Sciences
Classification: Uncertain significance for SDCCAG8-related condition. Last evaluated: 2025-07-13. Review status: criteria provided, single submitter. Criteria: ACMG Guidelines, 2015. Collection method: clinical testing. Allele origin: germline.
Comment: The SDCCAG8 c.634G>C variant is predicted to result in the amino acid substitution p.Asp212His. To our knowledge, this variant has not been reported in the literature. This variant is reported in 0.0018% of alleles in individuals of European (Non-Finnish) descent in gnomAD. At this time, the clinical significance of this variant is uncertain due to the absence of conclusive functional and genetic evidence.